The following is an entry in ClinVar:

NM_001365536.1(SCN9A):c.2336G>A (p.Gly779Glu)

Genes: SCN1A-AS1 (SCN1A and SCN9A antisense RNA 1; plus strand), SCN9A (sodium voltage-gated channel alpha subunit 9; minus strand). Cytogenetic location: 2q24.3.
Variant type: single nucleotide variant.
Coding change: c.2336G>A on transcript NM_001365536.1 (MANE Select); coding-DNA position 2336, G replaced by A.
Protein change: p.Gly779Glu; replaces glycine 779 with glutamic acid.
Molecular consequence: missense variant.
Genome position (GRCh38, 1-based): chr2:166,280,364, C>T on the plus strand (G>A on the coding strand, the complement: SCN9A is on the minus strand). VCF-style: chr2-166280364-C-T. GRCh37 (hg19) VCF-style: chr2-167136874-C-T.
Other names: c.2303G>A, p.Gly768Glu (NM_002977.4); short protein forms G768E, G779E.
Identifiers: ClinVar variation 3900853 (VCV003900853.1).
Genomic context (GRCh38, chr2:166,280,364, plus strand): 5'-ATGACAACTAAAAAGAGAAACTATGAGTACATAACACACAATAAGAGACTTACCAAATTT[C>T]CTATAGCAAGTACATTTTTGAATTCCTCAGTCATTGGGTGGTGTTCCATAGCCATAAATA-3'
Protein context (NP_001352465.1, residues 769-789): TEEFKNVLAI[Gly779Glu]NLVFTGIFAA

ClinVar aggregate classification (germline): Uncertain significance (1 of 4 stars; one submission).

Submission:

GeneDx
Classification: Uncertain significance. Last evaluated: 2024-11-26. Review status: criteria provided, single submitter. Criteria: GeneDx Variant Classification Process June 2021. Collection method: clinical testing. Allele origin: germline. Affected: yes.
Comment: Not observed at significant frequency in large population cohorts (gnomAD); In silico analysis supports that this missense variant has a deleterious effect on protein structure/function; Has not been previously published as pathogenic or benign to our knowledge